The following is an entry in ClinVar:

NM_004187.5(KDM5C):c.2945G>A (p.Arg982His)

Gene: KDM5C (lysine demethylase 5C; minus strand). Cytogenetic location: Xp11.22.
Variant type: single nucleotide variant.
Coding change: c.2945G>A on transcript NM_004187.5 (MANE Select); coding-DNA position 2945, G replaced by A.
Protein change: p.Arg982His; replaces arginine 982 with histidine.
Molecular consequence: missense variant. On other transcripts: non-coding transcript variant (3).
Genome position (GRCh38, 1-based): chrX:53,196,722, C>T on the plus strand (G>A on the coding strand, the complement: KDM5C is on the minus strand). VCF-style: chrX-53196722-C-T. GRCh37 (hg19) VCF-style: chrX-53225904-C-T.
Other names: c.2945G>A (NM_004187.3); c.2744G>A, p.Arg915His (NM_001146702.2); c.2942G>A, p.Arg981His (NM_001282622.3, NM_001353979.2, NM_001353982.2); c.2945G>A, p.Arg982His (NM_001353978.3, NM_001353981.2, NM_001353984.2); short protein forms R915H, R981H, R982H.
Identifiers: ClinVar variation 4278587 (VCV004278587.2).

ClinVar aggregate classification (germline): Uncertain significance. Review status: criteria provided, multiple submitters, no conflicts (2 of 4 stars). 2 submissions from 2 submitters: Uncertain significance (2). Last evaluated 2025-07-14.

Conditions:
KDM5C-related disorder. Also called: KDM5C-related condition.

Submissions (2):

PreventionGenetics, part of Exact Sciences
Classification: Uncertain significance for KDM5C-related condition. Last evaluated: 2025-07-14. Review status: criteria provided, single submitter. Criteria: ACMG Guidelines, 2015. Collection method: clinical testing. Allele origin: germline.
Comment: The KDM5C c.2945G>A variant is predicted to result in the amino acid substitution p.Arg982His. To our knowledge, this variant has not been reported in the literature or in a large population database (gnomAD), indicating this variant is rare. At this time, the clinical significance of this variant is uncertain due to the absence of conclusive functional and genetic evidence.

GeneDx
Classification: Uncertain significance. Last evaluated: 2025-03-31. Review status: criteria provided, single submitter. Criteria: GeneDx Variant Classification Process June 2021. Collection method: clinical testing. Allele origin: germline. Affected: yes.
Comment: Not observed at significant frequency in large population cohorts (gnomAD); In silico analysis indicates that this missense variant does not alter protein structure/function; Has not been previously published as pathogenic or benign to our knowledge